The following is an entry in ClinVar:

ClinVar aggregate classification (germline): Uncertain significance (1 of 4 stars; one submission).

Allele frequency attached by ClinVar (database versions not stated): ExAC 0.00002; gnomAD 0.00002; TOPMed 0.00003; ESP Exome Variant Server 0.00008.
gnomAD v4.1: 4 of 1,614,076 alleles (0.00025%); highest among the groups gnomAD compares: African/African-American, 0.004%; no homozygotes.

Submission:

Labcorp Genetics (formerly Invitae), Labcorp
Classification: Uncertain significance. Last evaluated: 2023-05-30. Review status: criteria provided, single submitter. Criteria: Invitae Variant Classification Sherloc (09022015). Collection method: clinical testing. Allele origin: germline.
Comment: In summary, the available evidence is currently insufficient to determine the role of this variant in disease. Therefore, it has been classified as a Variant of Uncertain Significance. An algorithm developed to predict the effect of missense changes on protein structure and function (PolyPhen-2) suggests that this variant is likely to be disruptive. ClinVar contains an entry for this variant (Variation ID: 1487982). This variant has not been reported in the literature in individuals affected with KCNQ5-related conditions. This variant is present in population databases (rs143496547, gnomAD 0.01%). This sequence change replaces glycine, which is neutral and non-polar, with glutamic acid, which is acidic and polar, at codon 925 of the KCNQ5 protein (p.Gly925Glu).

NM_019842.4(KCNQ5):c.2717G>A (p.Gly906Glu)

Gene: KCNQ5 (potassium voltage-gated channel subfamily Q member 5; plus strand). Cytogenetic location: 6q13.
Variant type: single nucleotide variant.
Coding change: c.2717G>A on transcript NM_019842.4 (MANE Select); coding-DNA position 2717, G replaced by A.
Protein change: p.Gly906Glu; replaces glycine 906 with glutamic acid.
Molecular consequence: missense variant.
Genome position (GRCh38, 1-based): chr6:73,195,332, G>A. VCF-style: chr6-73195332-G-A. GRCh37 (hg19) VCF-style: chr6-73905055-G-A.
Other names: c.2690G>A, p.Gly897Glu (NM_001160130.2); c.2747G>A, p.Gly916Glu (NM_001160132.2); c.2774G>A, p.Gly925Glu (NM_001160133.2); c.2387G>A, p.Gly796Glu (NM_001160134.2); short protein forms G897E, G796E, G906E, G916E, G925E.
Identifiers: ClinVar variation 1487982 (VCV001487982.8), dbSNP rs143496547, ClinGen allele CA3887319.
Genomic context (GRCh38, chr6:73,195,332, plus strand): 5'-TTGATGCCGCACCGCAGCCTGCCAGGGAAGCTGCCTTTGCATCAGACTCTCTAAGGACTG[G>A]AAGGTCACGATCATCTCAGAGCATTTGTAAGGCAGGAGAAAGTACAGATGCCCTCAGCTT-3'
Protein context (NP_062816.2, residues 896-916): AAFASDSLRT[Gly906Glu]RSRSSQSICK